The following is an entry in ClinVar:

NM_001940.4(ATN1):c.1541C>T (p.Ala514Val)

Gene: ATN1 (atrophin 1; plus strand). Cytogenetic location: 12p13.31.
Variant type: single nucleotide variant.
Coding change: c.1541C>T on transcript NM_001940.4 (MANE Select); coding-DNA position 1541, C replaced by T.
Protein change: p.Ala514Val; replaces alanine 514 with valine.
Molecular consequence: missense variant.
Genome position (GRCh38, 1-based): chr12:6,936,808, C>T. VCF-style: chr12-6936808-C-T. GRCh37 (hg19) VCF-style: chr12-7045971-C-T.
Other names: c.1541C>T, p.Ala514Val (NM_001007026.2, NM_001424176.1, NM_001424177.1 and 1 more transcripts); c.1538C>T, p.Ala513Val (NM_001424179.1, NM_001424180.1); c.1520C>T, p.Ala507Val (NM_001424181.1); c.1517C>T, p.Ala506Val (NM_001424182.1); short protein forms A506V, A507V, A513V, A514V.
Identifiers: ClinVar variation 3057333 (VCV003057333.2), dbSNP rs781928351, ClinGen allele CA6420653.

ClinVar aggregate classification (germline): Likely benign (0 of 4 stars; one submission).

Conditions:
ATN1-related disorder. Also called: ATN1-related disorders; ATN1-related condition.

Allele frequency attached by ClinVar (database versions not stated): TOPMed 0.00002; gnomAD 0.00013; gnomAD exomes 0.00031; ExAC 0.00078; 1000 Genomes Project 0.00200; 1000 Genomes Project 30x 0.00219.
gnomAD v4.1: 474 of 1,613,026 alleles (0.029%); highest among the groups gnomAD compares: South Asian, 0.5%; 6 homozygotes.

Submission:

PreventionGenetics, part of Exact Sciences
Classification: Likely benign for ATN1-related condition. Last evaluated: 2022-03-21. Review status: no assertion criteria provided. Collection method: clinical testing. Allele origin: germline.
Comment: This variant is classified as likely benign based on ACMG/AMP sequence variant interpretation guidelines (Richards et al. 2015 PMID: 25741868, with internal and published modifications).